The following is an entry in ClinVar:

NM_001256627.2(BRSK2):c.938G>A (p.Arg313Gln)

Gene: BRSK2 (BR serine/threonine kinase 2; plus strand). Cytogenetic location: 11p15.5.
Variant type: single nucleotide variant.
Coding change: c.938G>A on transcript NM_001256627.2 (MANE Select); coding-DNA position 938, G replaced by A.
Protein change: p.Arg313Gln; replaces arginine 313 with glutamine.
Molecular consequence: missense variant. On other transcripts: non-coding transcript variant (1).
Genome position (GRCh38, 1-based): chr11:1,445,419, G>A. VCF-style: chr11-1445419-G-A. GRCh37 (hg19) VCF-style: chr11-1466649-G-A.
Other names: c.938G>A, p.Arg313Gln (NM_001256629.2, NM_003957.4); c.1076G>A, p.Arg359Gln (NM_001256630.1); c.758G>A, p.Arg253Gln (NM_001282218.2); short protein forms R359Q, R253Q, R313Q.
Identifiers: ClinVar variation 2266870 (VCV002266870.3), dbSNP rs375785459, ClinGen allele CA5810736.

ClinVar aggregate classification (germline): Uncertain significance. Review status: criteria provided, multiple submitters, no conflicts (2 of 4 stars). 2 submissions from 2 submitters: Uncertain significance (2). Last evaluated 2026-05-03.

Conditions:
Autosomal dominant non-syndromic intellectual disability. Identifiers: Orphanet 178469, MedGen C5680502, MONDO:0015802.
Inborn genetic diseases. Identifiers: MedGen C0950123, MeSH D030342.

Allele frequency attached by ClinVar (database versions not stated): ExAC 0.00001; gnomAD 0.00003; TOPMed 0.00007; 1000 Genomes Project 0.00020; ESP Exome Variant Server 0.00008; 1000 Genomes Project 30x 0.00031; gnomAD exomes 0.00001.

Submissions (2):

Department of Human Genetics, University Hospital Bern, Inselspital
Classification: Uncertain significance for Autosomal dominant non-syndromic intellectual disability. Last evaluated: 2026-05-03. Review status: criteria provided, single submitter. Criteria: ACMG Guidelines, 2015. Collection method: research. Allele origin: inherited. Affected: yes.
Comment: The missense variant affects a conserved amino acid in the UBA domain and is predicted to have a damaging effect by PrimateAI-3D, but only moderately by AlphaMissense. In summary, criterion PP3_Supporting was used.

Ambry Genetics
Classification: Uncertain significance for Inborn genetic diseases. Last evaluated: 2021-12-14. Review status: criteria provided, single submitter. Criteria: Ambry Variant Classification Scheme 2023. Collection method: clinical testing. Allele origin: germline.

Literature cited by the submitters: PubMed 42509346 (cited by Department of Human Genetics, University Hospital Bern, Inselspital).